The following is an entry in ClinVar:

ClinVar aggregate classification (germline): Likely pathogenic (1 of 4 stars; one submission).

Conditions:
Neurofibromatosis, type 1 (NF1). Also called: VON RECKLINGHAUSEN DISEASE; NEUROFIBROMATOSIS, TYPE I, SOMATIC; Peripheral type neurofibromatosis; Neurofibromatosis, type I. Identifiers: Orphanet 636, MedGen C0027831, MONDO:0018975, OMIM 162200. Disease mechanism: loss of function.

Submission:

Labcorp Genetics (formerly Invitae), Labcorp
Classification: Likely pathogenic for Neurofibromatosis, type 1. Last evaluated: 2023-08-27. Review status: criteria provided, single submitter. Criteria: Invitae Variant Classification Sherloc (09022015). Collection method: clinical testing. Allele origin: germline.
Comment: In summary, the currently available evidence indicates that the variant is pathogenic, but additional data are needed to prove that conclusively. Therefore, this variant has been classified as Likely Pathogenic. Algorithms developed to predict the effect of sequence changes on RNA splicing suggest that this variant may disrupt the consensus splice site. This sequence change affects an acceptor splice site in intron 26 of the NF1 gene. It is expected to disrupt RNA splicing. Variants that disrupt the donor or acceptor splice site typically lead to a loss of protein function (PMID: 16199547), and loss-of-function variants in NF1 are known to be pathogenic (PMID: 10712197, 23913538). This variant is not present in population databases (gnomAD no frequency). This variant has not been reported in the literature in individuals affected with NF1-related conditions.

Literature cited by the submitters: PubMed 16199547; PubMed 10712197; PubMed 23913538.

NM_001042492.3(NF1):c.3497-2A>T

Gene: NF1 (neurofibromin 1; plus strand). Cytogenetic location: 17q11.2.
Variant type: single nucleotide variant.
Coding change: c.3497-2A>T on transcript NM_001042492.3 (MANE Select); the canonical splice acceptor site of the intron before coding-DNA position 3497, A replaced by T.
Molecular consequence: splice acceptor variant.
Genome position (GRCh38, 1-based): chr17:31,233,000, A>T. VCF-style: chr17-31233000-A-T. GRCh37 (hg19) VCF-style: chr17-29560018-A-T.
Other names: c.3497-2A>T (NM_000267.4).
Identifiers: ClinVar variation 2752634 (VCV002752634.3), dbSNP rs2151435244, ClinGen allele CA398989595.